The following is an entry in ClinVar:

ClinVar aggregate classification (germline): Pathogenic (0 of 4 stars; one submission).

Conditions:
Heterotaxy, visceral, 12, autosomal (HTX12). Identifiers: MedGen C5676898, MONDO:0859222, OMIM 619702.

Submission:

OMIM
Classification: Pathogenic for HETEROTAXY, VISCERAL, 12, AUTOSOMAL. Last evaluated: 2022-03-15. Review status: no assertion criteria provided. Collection method: literature only. Allele origin: germline.

Literature cited by the submitters: Szenker-Ravi, E. Personal Communication. 2022. Singapore.

NM_001354640.2(CIROP):c.1166G>T (p.Arg389Ile)

Gene: CIROP (ciliated left-right organizer metallopeptidase; minus strand). Cytogenetic location: 14q11.2.
Variant type: single nucleotide variant.
Coding change: c.1166G>T on transcript NM_001354640.2 (MANE Select); coding-DNA position 1166, G replaced by T.
Protein change: p.Arg389Ile; replaces arginine 389 with isoleucine.
Molecular consequence: missense variant.
Genome position (GRCh38, 1-based): chr14:23,102,235, C>A on the plus strand (G>T on the coding strand, the complement: CIROP is on the minus strand). VCF-style: chr14-23102235-C-A. GRCh37 (hg19) VCF-style: chr14-23571444-C-A.
Other names: R334I; c.1001G>T (NM_001402427.1); short protein forms R389I.
Identifiers: ClinVar variation 1344493 (VCV001344493.1), dbSNP rs2140282332, ClinGen allele CA2573051166.